The following is an entry in ClinVar:

NM_000089.4(COL1A2):c.2993C>T (p.Pro998Leu)

Gene: COL1A2 (collagen type I alpha 2 chain; plus strand). Cytogenetic location: 7q21.3.
Variant type: single nucleotide variant.
Coding change: c.2993C>T on transcript NM_000089.4 (MANE Select); coding-DNA position 2993, C replaced by T.
Protein change: p.Pro998Leu; replaces proline 998 with leucine.
Molecular consequence: missense variant.
Genome position (GRCh38, 1-based): chr7:94,426,047, C>T. VCF-style: chr7-94426047-C-T. GRCh37 (hg19) VCF-style: chr7-94055359-C-T.
Other names: p.Pro998Leu; short protein forms P998L.
Identifiers: ClinVar variation 1051139 (VCV001051139.18), dbSNP rs1204582322, ClinGen allele CA368225038.

ClinVar aggregate classification (germline): Conflicting classifications of pathogenicity. Review status: criteria provided, conflicting classifications (1 of 4 stars). 6 submissions from 6 submitters: Uncertain significance (5); Likely benign (1). Last evaluated 2025-11-13.

Conditions:
Cardiovascular phenotype. Identifiers: MedGen CN230736.
Osteogenesis imperfecta type I (OI1). Also called: Lobstein's Disease; Osteogenesis imperfecta type 1; OI, TYPE I; OSTEOGENESIS IMPERFECTA TARDA; OSTEOGENESIS IMPERFECTA WITH BLUE SCLERAE; Lobstein disease. Identifiers: Orphanet 216796, Orphanet 666, MedGen C0023931, MONDO:0008146, OMIM 166200. Disease mechanism: loss of function.
Ehlers-Danlos syndrome, classic type, 1 (EDSCL1). Also called: Ehlers-Danlos Syndrome, Classic Type, COL5A1-Related; Ehlers-Danlos syndrome, type 1; EDS I; EHLERS-DANLOS SYNDROME, GRAVIS TYPE; EHLERS-DANLOS SYNDROME, SEVERE CLASSIC TYPE. Identifiers: MedGen C0268335, MONDO:0019567, OMIM 130000.

Allele frequency attached by ClinVar (database versions not stated): gnomAD 0.00001; gnomAD exomes 0.00001 and 0.00002; TOPMed 0.00001.
gnomAD v4.1: 25 of 1,613,492 alleles (0.0015%); highest among the groups gnomAD compares: Non-Finnish European, 0.002%; no homozygotes.

Submissions (6):

Labcorp Genetics (formerly Invitae), Labcorp
Classification: Uncertain significance for Osteogenesis imperfecta type I; Ehlers-Danlos syndrome, classic type, 1. Last evaluated: 2025-11-13. Review status: criteria provided, single submitter. Criteria: Invitae Variant Classification Sherloc (09022015). Collection method: clinical testing. Allele origin: germline.
Comment: This sequence change replaces proline, which is neutral and non-polar, with leucine, which is neutral and non-polar, at codon 998 of the COL1A2 protein (p.Pro998Leu). This variant is present in population databases (no rsID available, gnomAD 0.002%). This variant has not been reported in the literature in individuals affected with COL1A2-related conditions. ClinVar contains an entry for this variant (Variation ID: 1051139). Invitae Evidence Modeling of protein sequence and biophysical properties (such as structural, functional, and spatial information, amino acid conservation, physicochemical variation, residue mobility, and thermodynamic stability) indicates that this missense variant is not expected to disrupt COL1A2 protein function with a negative predictive value of 95%. In summary, the available evidence is currently insufficient to determine the role of this variant in disease. Therefore, it has been classified as a Variant of Uncertain Significance.

Mayo Clinic Laboratories, Mayo Clinic
Classification: Uncertain significance. Last evaluated: 2025-05-07. Review status: criteria provided, single submitter. Criteria: ACMG Guidelines, 2015. Collection method: clinical testing. Allele origin: germline. Observed: 1 variant allele.
Comment: PM2_supporting

GeneDx
Classification: Uncertain significance. Last evaluated: 2024-10-17. Review status: criteria provided, single submitter. Criteria: GeneDx Variant Classification Process June 2021. Collection method: clinical testing. Allele origin: germline. Affected: yes.
Comment: Not observed at significant frequency in large population cohorts (gnomAD); In silico analysis indicates that this missense variant does not alter protein structure/function; Occurs in the triple helical domain at the X position in the canonical Gly-X-Y repeat; although this variant may have an effect on normal protein folding and function, missense substitution at the X position is not a common mechanism of disease (HGMD); Has not been previously published as pathogenic or benign to our knowledge

Ambry Genetics
Classification: Uncertain significance for Cardiovascular phenotype. Last evaluated: 2024-03-14. Review status: criteria provided, single submitter. Criteria: Ambry Variant Classification Scheme 2023. Collection method: clinical testing. Allele origin: germline.
Comment: The p.P998L variant (also known as c.2993C>T), located in coding exon 45 of the COL1A2 gene, results from a C to T substitution at nucleotide position 2993. The proline at codon 998 is replaced by leucine, an amino acid with similar properties. This amino acid position is not well conserved in available vertebrate species. In addition, the in silico prediction for this alteration is inconclusive. Based on the available evidence, the clinical significance of this alteration remains unclear.

Blueprint Genetics
Classification: Likely benign. Last evaluated: 2022-03-10. Review status: criteria provided, single submitter. Criteria: ACMG Guidelines, 2015. Collection method: clinical testing. Allele origin: germline.

Revvity Omics, Revvity
Classification: Uncertain significance. Last evaluated: 2021-11-23. Review status: criteria provided, single submitter. Criteria: ACMG Guidelines, 2015. Collection method: clinical testing. Allele origin: germline.